The following is an entry in ClinVar:

ClinVar aggregate classification (germline): Pathogenic (1 of 4 stars; one submission).

Conditions:
Hereditary spastic paraplegia 35. Also called: SPASTIC PARAPLEGIA 35, AUTOSOMAL RECESSIVE, WITH OR WITHOUT NEURODEGENERATION; Spastic paraplegia 35; LEUKODYSTROPHY, DYSMYELINATING, AND SPASTIC PARAPARESIS WITH OR WITHOUT DYSTONIA; Spastic paraplegia 35, autosomal recessive. Identifiers: Orphanet 171629, MedGen C3496228, MONDO:0012866, OMIM 612319.

Submission:

3billion
Classification: Pathogenic for Hereditary spastic paraplegia 35. Last evaluated: 2025-10-22. Review status: criteria provided, single submitter. Criteria: ACMG Guidelines, 2015. Collection method: clinical testing. Allele origin: germline. Affected: yes.
Comment: The variant is not observed in the gnomAD v4.1.0 dataset. Predicted Consequence/Location: Stop-gained (nonsense): predicted to result in a loss or disruption of normal protein function through nonsense-mediated decay (NMD) or protein truncation. Multiple pathogenic variants are reported downstream of the variant. Therefore, this variant is classified as Pathogenic according to the recommendation of ACMG/AMP guideline.

NM_024306.5(FA2H):c.984C>G (p.Tyr328Ter)

Gene: FA2H (fatty acid 2-hydroxylase; minus strand). Cytogenetic location: 16q23.1.
Variant type: single nucleotide variant.
Coding change: c.984C>G on transcript NM_024306.5 (MANE Select); coding-DNA position 984, C replaced by G.
Protein change: p.Tyr328Ter; replaces tyrosine 328 with a stop codon.
Molecular consequence: nonsense.
Genome position (GRCh38, 1-based): chr16:74,716,402, G>C on the plus strand (C>G on the coding strand, the complement: FA2H is on the minus strand). VCF-style: chr16-74716402-G-C. GRCh37 (hg19) VCF-style: chr16-74750300-G-C.
Other names: short protein forms Y328*.
Identifiers: ClinVar variation 4856146 (VCV004856146.1).